The following is an entry in ClinVar:

NM_000384.3(APOB):c.1071C>T (p.Gly357=)

Gene: APOB (apolipoprotein B; minus strand). Cytogenetic location: 2p24.1.
Variant type: single nucleotide variant.
Coding change: c.1071C>T on transcript NM_000384.3 (MANE Select); coding-DNA position 1071, C replaced by T.
Protein change: p.Gly357=; no amino-acid change (glycine 357 retained).
Molecular consequence: synonymous variant.
Genome position (GRCh38, 1-based): chr2:21,033,352, G>A on the plus strand (C>T on the coding strand, the complement: APOB is on the minus strand). VCF-style: chr2-21033352-G-A. GRCh37 (hg19) VCF-style: chr2-21256224-G-A.
Identifiers: ClinVar variation 738063 (VCV000738063.9), dbSNP rs769527337, ClinGen allele CA43461332.

ClinVar aggregate classification (germline): Likely benign. Review status: criteria provided, multiple submitters, no conflicts (2 of 4 stars). 4 submissions from 4 submitters: Likely benign (4). Last evaluated 2025-04-09.

Conditions:
Familial hypercholesterolemia. Also called: Familial hypercholesterolaemia. Identifiers: MedGen C0020445, MONDO:0005439.
Cardiovascular phenotype. Identifiers: MedGen CN230736.

Allele frequency attached by ClinVar (database versions not stated): TOPMed 0.00001.
gnomAD v4.1: 35 of 1,614,132 alleles (0.0022%); highest among the groups gnomAD compares: Non-Finnish European, 0.0029%; no homozygotes.

Submissions (4):

Molecular Diagnostic Laboratory for Inherited Cardiovascular Disease, Montreal Heart Institute
Classification: Likely benign. Last evaluated: 2025-04-09. Review status: criteria provided, single submitter. Criteria: ACMG Guidelines, 2015. Collection method: clinical testing. Allele origin: germline. Affected: no.

GENinCode PLC
Classification: Likely benign for Familial hypercholesterolemia. Last evaluated: 2023-03-10. Review status: criteria provided, single submitter. Criteria: ACMG Guidelines, 2015. Collection method: clinical testing. Allele origin: germline.
Comment: This is a synonymous (silent) variant that is not predicted by SpliceAI to impact splicing. In addition, it occurs at a nucleotide that is not conserved. Therefore this variant has been classified as Likely Benign (BP4, BP7).

Labcorp Genetics (formerly Invitae), Labcorp
Classification: Likely benign. Last evaluated: 2018-03-31. Review status: criteria provided, single submitter. Criteria: Invitae Variant Classification Sherloc (09022015). Collection method: clinical testing. Allele origin: germline.

Ambry Genetics
Classification: Likely benign for Cardiovascular phenotype. Last evaluated: 2017-11-15. Review status: criteria provided, single submitter. Criteria: Ambry Variant Classification Scheme 2023. Collection method: clinical testing. Allele origin: germline.